The following is an entry in ClinVar:

ClinVar aggregate classification (germline): Uncertain significance (1 of 4 stars; one submission).

gnomAD v4.1: 2 of 1,254,674 alleles (0.00016%); highest among the groups gnomAD compares: East Asian, 0.0034%; no homozygotes.

Submission:

GeneDx
Classification: Uncertain significance. Last evaluated: 2025-05-18. Review status: criteria provided, single submitter. Criteria: GeneDx Variant Classification Process June 2021. Collection method: clinical testing. Allele origin: germline. Affected: yes.
Comment: Not observed at significant frequency in large population cohorts (gnomAD); In silico analysis suggests that this missense variant does not alter protein structure/function; Has not been previously published as pathogenic or benign to our knowledge

NM_002742.3(PRKD1):c.37C>G (p.Leu13Val)

Gene: PRKD1 (protein kinase D1; minus strand). Cytogenetic location: 14q12.
Variant type: single nucleotide variant.
Coding change: c.37C>G on transcript NM_002742.3 (MANE Select); coding-DNA position 37, C replaced by G.
Protein change: p.Leu13Val; replaces leucine 13 with valine.
Molecular consequence: missense variant.
Genome position (GRCh38, 1-based): chr14:29,927,476, G>C on the plus strand (C>G on the coding strand, the complement: PRKD1 is on the minus strand). VCF-style: chr14-29927476-G-C. GRCh37 (hg19) VCF-style: chr14-30396682-G-C.
Other names: c.37C>G, p.Leu13Val (NM_001330069.2); short protein forms L13V.
Identifiers: ClinVar variation 4530892 (VCV004530892.1).